The following is an entry in ClinVar:

NM_001369.3(DNAH5):c.11794C>A (p.Pro3932Thr)

Gene: DNAH5 (dynein axonemal heavy chain 5; minus strand). Cytogenetic location: 5p15.2.
Variant type: single nucleotide variant.
Coding change: c.11794C>A on transcript NM_001369.3 (MANE Select); coding-DNA position 11794, C replaced by A.
Protein change: p.Pro3932Thr; replaces proline 3932 with threonine.
Molecular consequence: missense variant.
Genome position (GRCh38, 1-based): chr5:13,729,528, G>T on the plus strand (C>A on the coding strand, the complement: DNAH5 is on the minus strand). VCF-style: chr5-13729528-G-T. GRCh37 (hg19) VCF-style: chr5-13729637-G-T.
Other names: short protein forms P3932T.
Identifiers: ClinVar variation 957205 (VCV000957205.11), dbSNP rs1746210228, ClinGen allele CA359220275.
Genomic context (GRCh38, chr5:13,729,528, plus strand): 5'-GTTTGCTAAGTTCCACCAAATTCAGCCATGTTATGTCCAGGATCCATTTTGATGGTTTTG[G>T]AGGACAAGCTTTAAGGTCTAATGAGGCACCTCCTTTAAAATTAAATATTAAATTATCAGA-3'
Protein context (NP_001360.1, residues 3922-3942): GASLDLKACP[Pro3932Thr]KPSKWILDIT

ClinVar aggregate classification (germline): Uncertain significance. Review status: criteria provided, single submitter (1 of 4 stars). 2 submissions from 2 submitters: Uncertain significance (1). 1 of the submissions does not count toward it. Last evaluated 2021-09-01.

Conditions:
Primary ciliary dyskinesia. Also called: Ciliary dyskinesia. Identifiers: Orphanet 244, MedGen C0008780, MONDO:0016575, HP:0012265.

Allele frequency attached by ClinVar (database versions not stated): gnomAD exomes 0.00001.
gnomAD v4.1: 3 of 1,613,828 alleles (0.00019%); highest among the groups gnomAD compares: Non-Finnish European, 0.00025%; no homozygotes.

Submissions (2):

Labcorp Genetics (formerly Invitae), Labcorp
Classification: Uncertain significance for Primary ciliary dyskinesia. Last evaluated: 2021-09-01. Review status: criteria provided, single submitter. Criteria: Invitae Variant Classification Sherloc (09022015). Collection method: clinical testing. Allele origin: germline.
Comment: This sequence change replaces proline with threonine at codon 3932 of the DNAH5 protein (p.Pro3932Thr). The proline residue is moderately conserved and there is a small physicochemical difference between proline and threonine. This variant is not present in population databases (ExAC no frequency). This variant has not been reported in the literature in individuals affected with DNAH5-related conditions. Algorithms developed to predict the effect of missense changes on protein structure and function are either unavailable or do not agree on the potential impact of this missense change (SIFT: "Tolerated"; PolyPhen-2: "Possibly Damaging"; Align-GVGD: "Class C0"). In summary, the available evidence is currently insufficient to determine the role of this variant in disease. Therefore, it has been classified as a Variant of Uncertain Significance.

Natera, Inc.
Classification: Uncertain significance for Primary ciliary dyskinesia. Last evaluated: 2021-04-02. Review status: no assertion criteria provided. Collection method: clinical testing. Allele origin: germline. Not counted in ClinVar's aggregate classification.